The following is an entry in ClinVar:

ClinVar aggregate classification (germline): Benign (1 of 4 stars; one submission).

Allele frequency attached by ClinVar (database versions not stated): TOPMed 0.46949; 1000 Genomes Project 30x 0.54669; 1000 Genomes Project 0.55312.
gnomAD v4.1: 68,782 of 152,016 alleles (45%); highest among the groups gnomAD compares: East Asian, 82%; 16,091 homozygotes.

Submission:

GeneDx
Classification: Benign. Last evaluated: 2018-06-18. Review status: criteria provided, single submitter. Criteria: GeneDx Variant Classification (06012015). Collection method: clinical testing. Allele origin: germline. Affected: yes.
Comment: This variant is considered likely benign or benign based on one or more of the following criteria: it is a conservative change, it occurs at a poorly conserved position in the protein, it is predicted to be benign by multiple in silico algorithms, and/or has population frequency not consistent with disease.

NM_000069.3(CACNA1S):c.153-193G>T

Gene: CACNA1S (calcium voltage-gated channel subunit alpha1 S; minus strand). Cytogenetic location: 1q32.1.
Variant type: single nucleotide variant.
Coding change: c.153-193G>T on transcript NM_000069.3 (MANE Select); 193 bases into the intron before coding-DNA position 153, G replaced by T.
Molecular consequence: intron variant.
Genome position (GRCh38, 1-based): chr1:201,110,462, C>A on the plus strand (G>T on the coding strand, the complement: CACNA1S is on the minus strand). VCF-style: chr1-201110462-C-A. GRCh37 (hg19) VCF-style: chr1-201079590-C-A.
Identifiers: ClinVar variation 678213 (VCV000678213.1), dbSNP rs7513829, ClinGen allele CA10697347.
Genomic context (GRCh38, chr1:201,110,462, plus strand): 5'-CACGCTGCTCCTTCCCTGAGCCCCTGCAGGGTACAGTGAGGACCAGGTTCCTGCCTTGAC[C>A]TCTGGCTCCCTCTCCTCAGGAACAAGTCACTTTCATGTAGACTCCTTGGAATGGCAAAGG-3'